The following is an entry in ClinVar:

ClinVar aggregate classification (germline): Uncertain significance (1 of 4 stars; one submission).

Conditions:
Neuropathy, hereditary sensory and autonomic, type 2A (HSAN2A). Also called: HSAN IIA; WNK1-Related HSAN2 (HSAN2A); ACROOSTEOLYSIS, GIACCAI TYPE; ACROOSTEOLYSIS, NEUROGENIC; MORVAN DISEASE; NEUROPATHY, CONGENITAL SENSORY. Identifiers: Orphanet 970, MedGen C2752089, MONDO:0024309, OMIM 201300.
Pseudohypoaldosteronism type 2C (PHA2C). Also called: Pseudohypoaldosteronism Type IIC. Identifiers: Orphanet 757, Orphanet 88940, MedGen C1840391, MONDO:0013778, OMIM 614492.

Submission:

Labcorp Genetics (formerly Invitae), Labcorp
Classification: Uncertain significance for Neuropathy, hereditary sensory and autonomic, type 2A; Pseudohypoaldosteronism type 2C. Last evaluated: 2022-03-11. Review status: criteria provided, single submitter. Criteria: Invitae Variant Classification Sherloc (09022015). Collection method: clinical testing. Allele origin: germline.
Comment: In summary, the available evidence is currently insufficient to determine the role of this variant in disease. Therefore, it has been classified as a Variant of Uncertain Significance. Algorithms developed to predict the effect of missense changes on protein structure and function are either unavailable or do not agree on the potential impact of this missense change (SIFT: "Deleterious"; PolyPhen-2: "Not Available"; Align-GVGD: "Class C15"). This variant has not been reported in the literature in individuals affected with WNK1-related conditions. This variant is not present in population databases (gnomAD no frequency). This sequence change replaces methionine, which is neutral and non-polar, with valine, which is neutral and non-polar, at codon 412 of the WNK1 protein (p.Met412Val).

NM_018979.4(WNK1):c.1234A>G (p.Met412Val)

Gene: WNK1 (WNK lysine deficient protein kinase 1; plus strand). Cytogenetic location: 12p13.33.
Variant type: single nucleotide variant.
Coding change: c.1234A>G on transcript NM_018979.4 (MANE Select); coding-DNA position 1234, A replaced by G.
Protein change: p.Met412Val; replaces methionine 412 with valine.
Molecular consequence: missense variant.
Genome position (GRCh38, 1-based): chr12:830,083, A>G. VCF-style: chr12-830083-A-G. GRCh37 (hg19) VCF-style: chr12-939249-A-G.
Other names: c.1234A>G, p.Met412Val (NM_001184985.2, NM_014823.3, NM_213655.5); short protein forms M412V.
Identifiers: ClinVar variation 1968142 (VCV001968142.5), dbSNP rs2548299467, ClinGen allele CA383329308.
Genomic context (GRCh38, chr12:830,083, plus strand): 5'-CCTGAGATGTATGAGGAGAAATATGATGAATCCGTTGACGTTTATGCTTTTGGGATGTGC[A>G]TGCTTGAGATGGCTACATCTGAATATCCTTACTCGGAGTGCCAAAATGCTGCACAGATCT-3'
Protein context (NP_061852.3, residues 402-422): SVDVYAFGMC[Met412Val]LEMATSEYPY